The following is an entry in ClinVar:

ClinVar aggregate classification (germline): Uncertain significance. Review status: criteria provided, multiple submitters, no conflicts (2 of 4 stars). 2 submissions from 2 submitters: Uncertain significance (2). Last evaluated 2025-03-17.

Allele frequency attached by ClinVar (database versions not stated): gnomAD 0.00001; gnomAD exomes 0.00001; TOPMed 0.00002; ExAC 0.00001.
gnomAD v4.1: 16 of 1,613,912 alleles (0.00099%); highest among the groups gnomAD compares: Admixed American, 0.005%; no homozygotes.

Submissions (2):

Ambry Genetics
Classification: Uncertain significance. Last evaluated: 2025-03-17. Review status: criteria provided, single submitter. Criteria: Ambry Variant Classification Scheme 2023. Collection method: clinical testing. Allele origin: germline.

Labcorp Genetics (formerly Invitae), Labcorp
Classification: Uncertain significance. Last evaluated: 2022-06-30. Review status: criteria provided, single submitter. Criteria: Invitae Variant Classification Sherloc (09022015). Collection method: clinical testing. Allele origin: germline.
Comment: In summary, the available evidence is currently insufficient to determine the role of this variant in disease. Therefore, it has been classified as a Variant of Uncertain Significance. Algorithms developed to predict the effect of missense changes on protein structure and function (SIFT, PolyPhen-2, Align-GVGD) all suggest that this variant is likely to be disruptive. This variant has not been reported in the literature in individuals affected with DHX38-related conditions. This variant is present in population databases (rs774728184, gnomAD 0.002%). This sequence change replaces arginine, which is basic and polar, with tryptophan, which is neutral and slightly polar, at codon 133 of the DHX38 protein (p.Arg133Trp).

NM_014003.4(DHX38):c.397C>T (p.Arg133Trp)

Gene: DHX38 (DEAH-box helicase 38; plus strand). Cytogenetic location: 16q22.2.
Variant type: single nucleotide variant.
Coding change: c.397C>T on transcript NM_014003.4 (MANE Select); coding-DNA position 397, C replaced by T.
Protein change: p.Arg133Trp; replaces arginine 133 with tryptophan.
Molecular consequence: missense variant.
Genome position (GRCh38, 1-based): chr16:72,096,895, C>T. VCF-style: chr16-72096895-C-T. GRCh37 (hg19) VCF-style: chr16-72130794-C-T.
Other names: c.397C>T (NM_014003.3); short protein forms R133W.
Identifiers: ClinVar variation 1902403 (VCV001902403.4), dbSNP rs774728184, ClinGen allele CA8159955.